The following is an entry in ClinVar:

ClinVar aggregate classification (germline): Uncertain significance. Review status: criteria provided, multiple submitters, no conflicts (2 of 4 stars). 3 submissions from 3 submitters: Uncertain significance (3). Last evaluated 2024-03-01.

Conditions:
Inborn genetic diseases. Identifiers: MedGen C0950123, MeSH D030342.

Allele frequency attached by ClinVar (database versions not stated): ExAC 0.00020; 1000 Genomes Project 30x 0.00031.
gnomAD v4.1: 57 of 1,366,890 alleles (0.0042%); highest among the groups gnomAD compares: African/African-American, 0.072%; no homozygotes.

Submissions (3):

Ambry Genetics
Classification: Uncertain significance for Inborn genetic diseases. Last evaluated: 2024-03-01. Review status: criteria provided, single submitter. Criteria: Ambry Variant Classification Scheme 2023. Collection method: clinical testing. Allele origin: germline.

Greenwood Genetic Center Diagnostic Laboratories, Greenwood Genetic Center
Classification: Uncertain significance. Last evaluated: 2023-09-26. Review status: criteria provided, single submitter. Criteria: ACMG Guidelines, 2015. Collection method: clinical testing. Allele origin: germline. Affected: yes.
Comment: PM2

Labcorp Genetics (formerly Invitae), Labcorp
Classification: Uncertain significance. Last evaluated: 2022-09-08. Review status: criteria provided, single submitter. Criteria: Invitae Variant Classification Sherloc (09022015). Collection method: clinical testing. Allele origin: germline.
Comment: This sequence change replaces alanine, which is neutral and non-polar, with threonine, which is neutral and polar, at codon 1311 of the APC2 protein (p.Ala1311Thr). This variant is present in population databases (rs750685634, gnomAD 0.09%). This variant has not been reported in the literature in individuals affected with APC2-related conditions. Algorithms developed to predict the effect of missense changes on protein structure and function output the following: SIFT: "Deleterious"; PolyPhen-2: "Benign"; Align-GVGD: "Class C0". The threonine amino acid residue is found in multiple mammalian species, which suggests that this missense change does not adversely affect protein function. In summary, the available evidence is currently insufficient to determine the role of this variant in disease. Therefore, it has been classified as a Variant of Uncertain Significance.

NM_005883.3(APC2):c.3931G>A (p.Ala1311Thr)

Gene: APC2 (APC regulator of WNT signaling pathway 2; plus strand). Cytogenetic location: 19p13.3.
Variant type: single nucleotide variant.
Coding change: c.3931G>A on transcript NM_005883.3 (MANE Select); coding-DNA position 3931, G replaced by A.
Protein change: p.Ala1311Thr; replaces alanine 1311 with threonine.
Molecular consequence: missense variant.
Genome position (GRCh38, 1-based): chr19:1,467,232, G>A. VCF-style: chr19-1467232-G-A. GRCh37 (hg19) VCF-style: chr19-1467231-G-A.
Other names: c.3928G>A, p.Ala1310Thr (NM_001351273.1); c.3931G>A (NM_005883.2); short protein forms A1310T, A1311T.
Identifiers: ClinVar variation 2428398 (VCV002428398.4), dbSNP rs750685634, ClinGen allele CA9045778.
Genomic context (GRCh38, chr19:1,467,232, plus strand): 5'-GACGTGGAGCTGCGGCTGCTGCCCTCGGCCTGCCCCGAGCGCGGCGGGGGCGCCGGGGGC[G>A]CCGGCCTCCACTTTGCAGGGCACCGGCGGCGGGAGGAGGGGCCGGCGCCCACGGGTTCTC-3'
Protein context (NP_005874.1, residues 1301-1321): CPERGGGAGG[Ala1311Thr]GLHFAGHRRR